The following is an entry in ClinVar:

NM_000051.4(ATM):c.2085G>A (p.Leu695=)

Gene: ATM (ATM serine/threonine kinase; plus strand). Cytogenetic location: 11q22.3.
Variant type: single nucleotide variant.
Coding change: c.2085G>A on transcript NM_000051.4 (MANE Select); coding-DNA position 2085, G replaced by A.
Protein change: p.Leu695=; no amino-acid change (leucine 695 retained).
Molecular consequence: synonymous variant.
Genome position (GRCh38, 1-based): chr11:108,254,000, G>A. VCF-style: chr11-108254000-G-A. GRCh37 (hg19) VCF-style: chr11-108124727-G-A.
Other names: c.2085G>A, p.Leu695= (NM_001351834.2).
Identifiers: ClinVar variation 185505 (VCV000185505.36), dbSNP rs786202229, ClinGen allele CA192145.

ClinVar aggregate classification (germline): Benign/Likely benign. Review status: criteria provided, multiple submitters, no conflicts (2 of 4 stars). 15 submissions from 15 submitters: Benign (3); Likely benign (10). 2 of the submissions do not count toward it. Last evaluated 2026-02-03.

Conditions:
ATM-related disorder. Also called: ATM-related disorders; ATM-related condition.
Breast and/or ovarian cancer. Identifiers: MedGen CN221562.
Hereditary cancer-predisposing syndrome. Also called: Neoplastic Syndromes, Hereditary; Tumor predisposition; Hereditary neoplastic syndrome; Hereditary Cancer Syndrome. Identifiers: Orphanet 140162, MedGen C0027672, MeSH D009386, MONDO:0015356.
Familial cancer of breast. Also called: Hereditary breast cancer; BREAST CANCER, FAMILIAL; hereditary breast carcinoma. Identifiers: Orphanet 227535, MedGen C0346153, MONDO:0016419, OMIM 114480. Disease mechanism: loss of function.
Ataxia-telangiectasia syndrome (AT). Also called: Cerebello-oculocutaneous telangiectasia; Immunodeficiency with ataxia telangiectasia; AT, COMPLEMENTATION GROUP C; LOUIS-BAR SYNDROME; Ataxia-telangiectasia, complementation group E; ATAXIA-TELANGIECTASIA, COMPLEMENTATION GROUP A. Identifiers: Orphanet 100, MedGen C0004135, MONDO:0008840, OMIM 208900.

Allele frequency attached by ClinVar (database versions not stated): gnomAD exomes below 0.00001; gnomAD 0.00001 and 0.00002; TOPMed 0.00002.
gnomAD v4.1: 16 of 1,613,776 alleles (0.00099%); highest among the groups gnomAD compares: East Asian, 0.011%; no homozygotes.

Submissions (15):

Labcorp Genetics (formerly Invitae), Labcorp
Classification: Likely benign for Ataxia-telangiectasia syndrome. Last evaluated: 2026-02-03. Review status: criteria provided, single submitter. Criteria: Invitae Variant Classification Sherloc (09022015). Collection method: clinical testing. Allele origin: germline.

PreventionGenetics, part of Exact Sciences
Classification: Likely benign for ATM-related condition. Last evaluated: 2025-06-21. Review status: criteria provided, single submitter. Criteria: ACMG Guidelines, 2015. Collection method: clinical testing. Allele origin: germline.
Comment: This variant is classified as likely benign based on ACMG/AMP sequence variant interpretation guidelines (Richards et al. 2015 PMID: 25741868, with internal and published modifications).

Quest Diagnostics Nichols Institute San Juan Capistrano
Classification: Likely benign. Last evaluated: 2025-05-28. Review status: criteria provided, single submitter. Criteria: Quest Diagnostics criteria. Collection method: clinical testing. Allele origin: unknown.

KCCC/NGS Laboratory, Kuwait Cancer Control Center
Classification: Benign for Familial cancer of breast. Last evaluated: 2025-02-01. Review status: criteria provided, single submitter. Criteria: ACMG Guidelines, 2015. Collection method: clinical testing. Allele origin: germline. Affected: no.

Myriad Genetics, Inc.
Classification: Benign for Familial cancer of breast. Last evaluated: 2024-05-07. Review status: criteria provided, single submitter. Criteria: Myriad Autosomal Dominant, Autosomal Recessive and X-Linked Classification Criteria (2023). Collection method: clinical testing. Allele origin: unknown.
Comment: This variant is considered benign. This variant is a silent/synonymous amino acid change and it is not expected to impact splicing.

Blueprint Genetics
Classification: Likely benign. Last evaluated: 2023-11-03. Review status: criteria provided, single submitter. Criteria: ACMG Guidelines, 2015. Collection method: clinical testing. Allele origin: germline.

CHEO Genetics Diagnostic Laboratory, Children's Hospital of Eastern Ontario
Classification: Likely benign for Breast and/or ovarian cancer. Last evaluated: 2023-06-22. Review status: criteria provided, single submitter. Criteria: ACMG Guidelines, 2015. Collection method: clinical testing. Allele origin: germline.

ARUP Laboratories, Molecular Genetics and Genomics, ARUP Laboratories
Classification: Likely benign. Last evaluated: 2023-04-28. Review status: criteria provided, single submitter. Criteria: ARUP Molecular Germline Variant Investigation Process 2024. Collection method: clinical testing. Allele origin: germline.

Women's Health and Genetics/Laboratory Corporation of America, LabCorp
Classification: Likely benign. Last evaluated: 2021-07-26. Review status: criteria provided, single submitter. Criteria: LabCorp Variant Classification Summary - May 2015. Collection method: clinical testing. Allele origin: germline.

Sema4
Classification: Likely benign for Hereditary cancer-predisposing syndrome. Last evaluated: 2020-11-09. Review status: criteria provided, single submitter. Criteria: Sema4 Curation Guidelines. Collection method: curation. Allele origin: germline.

Color Diagnostics, LLC DBA Color Health
Classification: Likely benign for Hereditary cancer-predisposing syndrome. Last evaluated: 2017-03-29. Review status: criteria provided, single submitter. Criteria: ACMG Guidelines, 2015. Collection method: clinical testing. Allele origin: germline.

GeneDx
Classification: Benign. Last evaluated: 2015-03-03. Review status: criteria provided, single submitter. Criteria: GeneDx Variant Classification Process June 2021. Collection method: clinical testing. Allele origin: germline. Affected: yes.

Ambry Genetics
Classification: Likely benign for Hereditary cancer-predisposing syndrome. Last evaluated: 2014-07-14. Review status: criteria provided, single submitter. Criteria: Ambry Variant Classification Scheme 2023. Collection method: clinical testing. Allele origin: germline.

Natera, Inc.
Classification: Likely benign for Ataxia-telangiectasia. Last evaluated: 2020-01-23. Review status: no assertion criteria provided. Collection method: clinical testing. Allele origin: germline. Not counted in ClinVar's aggregate classification.

Department of Pathology and Laboratory Medicine, Sinai Health System
Classification: Uncertain significance. Review status: no assertion criteria provided. Collection method: clinical testing. Allele origin: unknown. Affected: yes. Study: The Canadian Open Genetics Repository (COGR). Not counted in ClinVar's aggregate classification.
Comment: The ATM p.Leu695= variant was identified in 2 of 5526 proband chromosomes (frequency: 0.00018) from individuals or families with breast cancer (Bernstein_2010, Rosenstein_2006). The variant was also identified in dbSNP (ID: rs786202229) as â€šÃ„ÃºWith Likely benign alleleâ€šÃ„Ã¹, ClinVar (as likely benign by Ambry Genetics, Invitae, and Color Genomics and as uncertain significance by Integrated Genetics), and Clinvitae (2x). The variant was not identified in the Cosmic, MutDB, LOVD 3.0, or ATM-LOVD databases. The variant was identified in control databases in 1 of 30948 chromosomes at a frequency of 0.000032 (Genome Aggregation Database Feb 27, 2017). It was observed in the â€šÃ„ÃºOtherâ€šÃ„Ã¹ population in 1 of 980 chromosomes (freq: 0.00102), but not in the African, Latino, European (Non-Finnish), Ashkenazi Jewish, East Asian, European (Finnish), and South Asian populations. The p.Leu695Leu variant is not expected to have clinical significance because it does not result in a change of amino acid and is not located in a known consensus splice site. However, 3 of 5 in silico or computational prediction software programs (SpliceSiteFinder, MaxEntScan, NNSPLICE, GeneSplicer, HumanSpliceFinder) predict the creation of a cryptic 3â€šÃ„Ã´ splice site; however, this information is not predictive enough to assume pathogenicity. In summary, based on the above information the clinical significance of this variant cannot be determined with certainty at this time. This variant is classified as a variant of uncertain significance.

Literature cited by the submitters: PubMed 20305132 (cited by Women's Health and Genetics/Laboratory Corporation of America, LabCorp); PubMed 31784482 (cited by Sema4).